The following is an entry in ClinVar:

ClinVar aggregate classification (germline): Uncertain significance (1 of 4 stars; one submission).

Submission:

Labcorp Genetics (formerly Invitae), Labcorp
Classification: Uncertain significance. Last evaluated: 2025-02-02. Review status: criteria provided, single submitter. Criteria: Invitae Variant Classification Sherloc (09022015). Collection method: clinical testing. Allele origin: germline.
Comment: This sequence change affects codon 760 of the MAGEL2 mRNA. It is a 'silent' change, meaning that it does not change the encoded amino acid sequence of the MAGEL2 protein. This variant is not present in population databases (gnomAD no frequency). This variant has not been reported in the literature in individuals affected with MAGEL2-related conditions. In summary, the available evidence is currently insufficient to determine the role of this variant in disease. Therefore, it has been classified as a Variant of Uncertain Significance.

NM_019066.5(MAGEL2):c.2280G>A (p.Lys760=)

Gene: MAGEL2 (MAGE family member L2; minus strand). Cytogenetic location: 15q11.2.
Variant type: single nucleotide variant.
Coding change: c.2280G>A on transcript NM_019066.5 (MANE Select); coding-DNA position 2280, G replaced by A.
Protein change: p.Lys760=; no amino-acid change (lysine 760 retained).
Molecular consequence: synonymous variant.
Genome position (GRCh38, 1-based): chr15:23,645,463, C>T on the plus strand (G>A on the coding strand, the complement: MAGEL2 is on the minus strand). VCF-style: chr15-23645463-C-T. GRCh37 (hg19) VCF-style: chr15-23890610-C-T.
Identifiers: ClinVar variation 3670529 (VCV003670529.2).
Genomic context (GRCh38, chr15:23,645,463, plus strand): 5'-CGGTGTGGCAGGCAGGTTTTTCCAGGCAGCTGGCAGGTGTGCTCGCGCAGCTGACACTGC[C>T]TTGGGAGCACAGAAGGTGGCAGCAAAGATCATGCGGTCTTTTGAAGGGGCCCTGCGCTCC-3'
Protein context (NP_061939.3, residues 750-770): MIFAATFCAP[Lys760=]AVSAARAHLP